The following is an entry in ClinVar:

NM_172107.4(KCNQ2):c.477del (p.Arg160fs)

Gene: KCNQ2 (potassium voltage-gated channel subfamily Q member 2; minus strand). Cytogenetic location: 20q13.33.
Variant type: Deletion.
Coding change: c.477del on transcript NM_172107.4 (MANE Select); coding-DNA position 477, one base deleted (G; older notation c.477delG).
Protein change: p.Arg160fs; shifts the reading frame from arginine 160.
Molecular consequence: frameshift variant.
Genome position (GRCh38, 1-based): chr20:63,445,275, C deleted on the plus strand (G on the coding strand, the reverse complement: KCNQ2 is on the minus strand); the first of 5 consecutive C bases (chr20:63,445,275-63,445,279); deleting any one gives the same sequence. VCF-style (leftmost placement, unchanged base first): chr20-63445274-GC-G. GRCh37 (hg19) VCF-style: chr20-62076627-GC-G.
Other names: c.477del, p.Arg160fs (NM_004518.6, NM_172106.3, NM_172108.5 and 1 more transcripts); short protein forms R160fs.
Identifiers: ClinVar variation 855274 (VCV000855274.8), dbSNP rs2081378550, ClinGen allele CA916083765.

ClinVar aggregate classification (germline): Pathogenic (1 of 4 stars; one submission).

Conditions:
Early-infantile DEE. Also called: Ohtahara syndrome; Early infantile epileptic encephalopathy with suppression bursts; Early infantile epileptic encephalopathy. Identifiers: Orphanet 1934, MedGen C0393706, MONDO:0800491.

Submission:

Labcorp Genetics (formerly Invitae), Labcorp
Classification: Pathogenic for Early-infantile DEE. Last evaluated: 2022-06-10. Review status: criteria provided, single submitter. Criteria: Invitae Variant Classification Sherloc (09022015). Collection method: clinical testing. Allele origin: germline.
Comment: This sequence change creates a premature translational stop signal (p.Arg160Glyfs*11) in the KCNQ2 gene. It is expected to result in an absent or disrupted protein product. Loss-of-function variants in KCNQ2 are known to be pathogenic (PMID: 14534157, 23692823, 27779742). For these reasons, this variant has been classified as Pathogenic. ClinVar contains an entry for this variant (Variation ID: 855274). This variant has not been reported in the literature in individuals affected with KCNQ2-related conditions. This variant is not present in population databases (gnomAD no frequency).

Literature cited by the submitters: PubMed 14534157; PubMed 23692823; PubMed 27779742.